The following is an entry in ClinVar:

NM_003737.4(DCHS1):c.9593G>A (p.Arg3198His)

Gene: DCHS1 (dachsous cadherin-related 1; minus strand). Cytogenetic location: 11p15.4.
Variant type: single nucleotide variant.
Coding change: c.9593G>A on transcript NM_003737.4 (MANE Select); coding-DNA position 9593, G replaced by A.
Protein change: p.Arg3198His; replaces arginine 3198 with histidine.
Molecular consequence: missense variant.
Genome position (GRCh38, 1-based): chr11:6,622,083, C>T on the plus strand (G>A on the coding strand, the complement: DCHS1 is on the minus strand). VCF-style: chr11-6622083-C-T. GRCh37 (hg19) VCF-style: chr11-6643314-C-T.
Other names: c.9593G>A (NM_003737.2, NM_003737.3); short protein forms R3198H.
Identifiers: ClinVar variation 1504192 (VCV001504192.11), dbSNP rs139629352, ClinGen allele CA5859219.

ClinVar aggregate classification (germline): Uncertain significance. Review status: criteria provided, multiple submitters, no conflicts (2 of 4 stars). 3 submissions from 3 submitters: Uncertain significance (3). Last evaluated 2026-05-02.

Conditions:
Inborn genetic diseases. Identifiers: MedGen C0950123, MeSH D030342.

Allele frequency attached by ClinVar (database versions not stated): gnomAD exomes 0.00003 and 0.00004; ExAC 0.00005; TOPMed 0.00009; ESP Exome Variant Server 0.00015; gnomAD 0.00009.
gnomAD v4.1: 64 of 1,611,202 alleles (0.004%); highest among the groups gnomAD compares: African/African-American, 0.013%; no homozygotes.

Submissions (3):

GeneDx
Classification: Uncertain significance. Last evaluated: 2026-05-02. Review status: criteria provided, single submitter. Criteria: GeneDx Variant Classification Process June 2021. Collection method: clinical testing. Allele origin: germline.
Comment: In silico analysis suggests that this missense variant does not alter protein structure/function; Has not been previously published as pathogenic or benign to our knowledge

Labcorp Genetics (formerly Invitae), Labcorp
Classification: Uncertain significance. Last evaluated: 2025-12-15. Review status: criteria provided, single submitter. Criteria: Invitae Variant Classification Sherloc (09022015). Collection method: clinical testing. Allele origin: germline.
Comment: This sequence change replaces arginine, which is basic and polar, with histidine, which is basic and polar, at codon 3198 of the DCHS1 protein (p.Arg3198His). This variant is present in population databases (rs139629352, gnomAD 0.02%). This variant has not been reported in the literature in individuals affected with DCHS1-related conditions. ClinVar contains an entry for this variant (Variation ID: 1504192). Invitae Evidence Modeling of protein sequence and biophysical properties (such as structural, functional, and spatial information, amino acid conservation, physicochemical variation, residue mobility, and thermodynamic stability) indicates that this missense variant is not expected to disrupt DCHS1 protein function with a negative predictive value of 95%. In summary, the available evidence is currently insufficient to determine the role of this variant in disease. Therefore, it has been classified as a Variant of Uncertain Significance.

Ambry Genetics
Classification: Uncertain significance for Inborn genetic diseases. Last evaluated: 2025-06-07. Review status: criteria provided, single submitter. Criteria: Ambry Variant Classification Scheme 2023. Collection method: clinical testing. Allele origin: germline.